The following is an entry in ClinVar:

ClinVar aggregate classification (germline): Uncertain significance (1 of 4 stars; one submission).

Conditions:
Inflammatory skin and bowel disease, neonatal, 1. Identifiers: Orphanet 294023, MedGen C3280501, MONDO:0013693, OMIM 614328.

Submission:

Labcorp Genetics (formerly Invitae), Labcorp
Classification: Uncertain significance for Inflammatory skin and bowel disease, neonatal, 1. Last evaluated: 2023-12-11. Review status: criteria provided, single submitter. Criteria: Invitae Variant Classification Sherloc (09022015). Collection method: clinical testing. Allele origin: germline.
Comment: This sequence change replaces proline, which is neutral and non-polar, with serine, which is neutral and polar, at codon 21 of the ADAM17 protein (p.Pro21Ser). This variant is not present in population databases (gnomAD no frequency). This variant has not been reported in the literature in individuals affected with ADAM17-related conditions. ClinVar contains an entry for this variant (Variation ID: 1978997). An algorithm developed to predict the effect of missense changes on protein structure and function (PolyPhen-2) suggests that this variant is likely to be tolerated. In summary, the available evidence is currently insufficient to determine the role of this variant in disease. Therefore, it has been classified as a Variant of Uncertain Significance.

NM_003183.6(ADAM17):c.61C>T (p.Pro21Ser)

Gene: ADAM17 (ADAM metallopeptidase domain 17; minus strand). Cytogenetic location: 2p25.1.
Variant type: single nucleotide variant.
Coding change: c.61C>T on transcript NM_003183.6 (MANE Select); coding-DNA position 61, C replaced by T.
Protein change: p.Pro21Ser; replaces proline 21 with serine.
Molecular consequence: missense variant. On other transcripts: 5 prime UTR variant (2).
Genome position (GRCh38, 1-based): chr2:9,555,545, G>A on the plus strand (C>T on the coding strand, the complement: ADAM17 is on the minus strand). VCF-style: chr2-9555545-G-A. GRCh37 (hg19) VCF-style: chr2-9695674-G-A.
Other names: c.-620C>T (NM_001382777.1); c.-862C>T (NM_001382778.1); short protein forms P21S.
Identifiers: ClinVar variation 1978997 (VCV001978997.4), dbSNP rs1377491129, ClinGen allele CA345789970.